The following is an entry in ClinVar:

NM_004385.5(VCAN):c.5859G>A (p.Thr1953=)

Genes: VCAN (versican; plus strand), VCAN-AS1 (VCAN antisense RNA 1; minus strand). Cytogenetic location: 5q14.3.
Variant type: single nucleotide variant.
Coding change: c.5859G>A on transcript NM_004385.5 (MANE Select); coding-DNA position 5859, G replaced by A.
Protein change: p.Thr1953=; no amino-acid change (threonine 1953 retained).
Molecular consequence: synonymous variant. On other transcripts: intron variant (2).
Genome position (GRCh38, 1-based): chr5:83,538,862, G>A. VCF-style: chr5-83538862-G-A. GRCh37 (hg19) VCF-style: chr5-82834681-G-A.
Other names: c.5859G>A (NM_004385.4); c.2898G>A, p.Thr966= (NM_001164097.2); c.4004-6675G>A (NM_001164098.2); c.1043-6675G>A (NM_001126336.3).
Identifiers: ClinVar variation 1078517 (VCV001078517.11), dbSNP rs80028865, ClinGen allele CA3333389.

ClinVar aggregate classification (germline): Likely benign. Review status: criteria provided, single submitter (1 of 4 stars). 2 submissions from 2 submitters: Likely benign (1). 1 of the submissions does not count toward it. Last evaluated 2025-12-01.

Conditions:
VCAN-related disorder. Also called: VCAN-related condition.

gnomAD v4.1: 39 of 1,613,924 alleles (0.0024%); highest among the groups gnomAD compares: Middle Eastern, 0.066%; 1 homozygote.

Submissions (2):

Labcorp Genetics (formerly Invitae), Labcorp
Classification: Likely benign. Last evaluated: 2025-12-01. Review status: criteria provided, single submitter. Criteria: Invitae Variant Classification Sherloc (09022015). Collection method: clinical testing. Allele origin: germline.

PreventionGenetics, part of Exact Sciences
Classification: Likely benign for VCAN-related condition. Last evaluated: 2019-10-25. Review status: no assertion criteria provided. Collection method: clinical testing. Allele origin: germline. Not counted in ClinVar's aggregate classification.
Comment: This variant is classified as likely benign based on ACMG/AMP sequence variant interpretation guidelines (Richards et al. 2015 PMID: 25741868, with internal and published modifications).